The following is an entry in ClinVar:

ClinVar aggregate classification (germline): Benign. Review status: criteria provided, multiple submitters, no conflicts (2 of 4 stars). 2 submissions from 2 submitters: Benign (2). Last evaluated 2025-12-15.

Conditions:
Duchenne muscular dystrophy (DMD). Also called: MUSCULAR DYSTROPHY, PSEUDOHYPERTROPHIC PROGRESSIVE, DUCHENNE TYPE; Duchenne Muscular Dystrophy (DMD). Identifiers: Orphanet 98896, MedGen C0013264, MONDO:0010679, OMIM 310200.

Allele frequency attached by ClinVar (database versions not stated): gnomAD 0.14637 and 0.14980; 1000 Genomes Project 0.14967; 1000 Genomes Project 30x 0.15255; TOPMed 0.16866.
gnomAD v4.1: 16,147 of 111,141 alleles (15%); highest among the groups gnomAD compares: African/African-American, 28%; 1,210 homozygotes.

Submissions (2):

Labcorp Genetics (formerly Invitae), Labcorp
Classification: Benign for Duchenne muscular dystrophy. Last evaluated: 2025-12-15. Review status: criteria provided, single submitter. Criteria: Invitae Variant Classification Sherloc (09022015). Collection method: clinical testing. Allele origin: germline.

GeneDx
Classification: Benign. Last evaluated: 2021-05-11. Review status: criteria provided, single submitter. Criteria: GeneDx Variant Classification Process June 2021. Collection method: clinical testing. Allele origin: germline. Affected: yes.
Comment: This variant is associated with the following publications: (PMID: 28495050)

NM_004006.3(DMD):c.650-39575A>C

Gene: DMD (dystrophin; minus strand). Cytogenetic location: Xp21.1.
Variant type: single nucleotide variant.
Coding change: c.650-39575A>C on transcript NM_004006.3 (MANE Select); 39575 bases into the intron before coding-DNA position 650, A replaced by C.
Molecular consequence: intron variant.
Genome position (GRCh38, 1-based): chrX:32,738,868, T>G on the plus strand (A>C on the coding strand, the complement: DMD is on the minus strand). VCF-style: chrX-32738868-T-G. GRCh37 (hg19) VCF-style: chrX-32756985-T-G.
Other names: c.626-39575A>C (NM_000109.4); c.638-39575A>C (NM_004009.3); c.281-39575A>C (NM_004010.3).
Identifiers: ClinVar variation 1165492 (VCV001165492.12), dbSNP rs113593006, ClinGen allele CA328563136.